The following is an entry in ClinVar:

ClinVar aggregate classification (germline): Uncertain significance (1 of 4 stars; one submission).

Submission:

Labcorp Genetics (formerly Invitae), Labcorp
Classification: Uncertain significance. Last evaluated: 2022-11-01. Review status: criteria provided, single submitter. Criteria: Invitae Variant Classification Sherloc (09022015). Collection method: clinical testing. Allele origin: germline.
Comment: In summary, the available evidence is currently insufficient to determine the role of this variant in disease. Therefore, it has been classified as a Variant of Uncertain Significance. Algorithms developed to predict the effect of missense changes on protein structure and function output the following: SIFT: "Tolerated"; PolyPhen-2: "Benign"; Align-GVGD: "Class C0". The arginine amino acid residue is found in multiple mammalian species, which suggests that this missense change does not adversely affect protein function. ClinVar contains an entry for this variant (Variation ID: 1390223). This variant has not been reported in the literature in individuals affected with ADAMTS10-related conditions. This variant is not present in population databases (gnomAD no frequency). This sequence change replaces histidine, which is basic and polar, with arginine, which is basic and polar, at codon 162 of the ADAMTS10 protein (p.His162Arg).

NM_030957.4(ADAMTS10):c.485A>G (p.His162Arg)

Gene: ADAMTS10 (ADAM metallopeptidase with thrombospondin type 1 motif 10; minus strand). Cytogenetic location: 19p13.2.
Variant type: single nucleotide variant.
Coding change: c.485A>G on transcript NM_030957.4 (MANE Select); coding-DNA position 485, A replaced by G.
Protein change: p.His162Arg; replaces histidine 162 with arginine.
Molecular consequence: missense variant.
Genome position (GRCh38, 1-based): chr19:8,603,835, T>C on the plus strand (A>G on the coding strand, the complement: ADAMTS10 is on the minus strand). VCF-style: chr19-8603835-T-C. GRCh37 (hg19) VCF-style: chr19-8668719-T-C.
Other names: short protein forms H162R.
Identifiers: ClinVar variation 1390223 (VCV001390223.6), dbSNP rs2146099744, ClinGen allele CA403757126.